The following is an entry in ClinVar:

NM_012452.3(TNFRSF13B):c.5G>A (p.Ser2Asn)

Gene: TNFRSF13B (TNF receptor superfamily member 13B; minus strand). Cytogenetic location: 17p11.2.
Variant type: single nucleotide variant.
Coding change: c.5G>A on transcript NM_012452.3 (MANE Select); coding-DNA position 5, G replaced by A.
Protein change: p.Ser2Asn; replaces serine 2 with asparagine.
Molecular consequence: missense variant.
Genome position (GRCh38, 1-based): chr17:16,972,071, C>T on the plus strand (G>A on the coding strand, the complement: TNFRSF13B is on the minus strand). VCF-style: chr17-16972071-C-T. GRCh37 (hg19) VCF-style: chr17-16875385-C-T.
Other names: short protein forms S2N.
Identifiers: ClinVar variation 1036324 (VCV001036324.5), dbSNP rs2087749412, ClinGen allele CA398520684.

ClinVar aggregate classification (germline): Uncertain significance (1 of 4 stars; one submission).

Conditions:
Immunodeficiency, common variable, 2 (CVID2). Also called: ANTIBODY DEFICIENCY DUE TO TACI DEFECT; HYPOGAMMAGLOBULINEMIA DUE TO TACI DEFICIENCY. Identifiers: Orphanet 1572, MedGen C3150354, MONDO:0009413, OMIM 240500.

Allele frequency attached by ClinVar (database versions not stated): gnomAD exomes below 0.00001.
gnomAD v4.1: 1 of 1,614,022 alleles (0.000062%); highest among the groups gnomAD compares: African/African-American, 0.0013%; no homozygotes.

Submission:

Labcorp Genetics (formerly Invitae), Labcorp
Classification: Uncertain significance for Immunodeficiency, common variable, 2. Last evaluated: 2022-07-12. Review status: criteria provided, single submitter. Criteria: Invitae Variant Classification Sherloc (09022015). Collection method: clinical testing. Allele origin: germline.
Comment: This sequence change replaces serine, which is neutral and polar, with asparagine, which is neutral and polar, at codon 2 of the TNFRSF13B protein (p.Ser2Asn). This variant is not present in population databases (gnomAD no frequency). This variant has not been reported in the literature in individuals affected with TNFRSF13B-related conditions. ClinVar contains an entry for this variant (Variation ID: 1036324). Algorithms developed to predict the effect of missense changes on protein structure and function are either unavailable or do not agree on the potential impact of this missense change (SIFT: "Tolerated"; PolyPhen-2: "Not Available"; Align-GVGD: "Class C0"). In summary, the available evidence is currently insufficient to determine the role of this variant in disease. Therefore, it has been classified as a Variant of Uncertain Significance.